The following is an entry in ClinVar:

ClinVar aggregate classification (germline): Conflicting classifications of pathogenicity. Review status: criteria provided, conflicting classifications (1 of 4 stars). 2 submissions from 2 submitters: Likely pathogenic (1); Uncertain significance (1). Last evaluated 2025-05-24.

Conditions:
Hereditary cancer-predisposing syndrome. Also called: Hereditary Cancer Syndrome; Tumor predisposition; Neoplastic Syndromes, Hereditary; Hereditary neoplastic syndrome. Identifiers: Orphanet 140162, MedGen C0027672, MeSH D009386, MONDO:0015356.

Allele frequency attached by ClinVar (database versions not stated): TOPMed below 0.00001; 1000 Genomes Project 0.00020; gnomAD exomes 0.00001; 1000 Genomes Project 30x 0.00031; gnomAD 0.00001; ExAC 0.00002.

Submissions (3):

Labcorp Genetics (formerly Invitae), Labcorp
Classification: Uncertain significance. Last evaluated: 2025-05-24. Review status: criteria provided, single submitter. Criteria: Invitae Variant Classification Sherloc (09022015). Collection method: clinical testing. Allele origin: germline.
Comment: This sequence change affects a donor splice site in intron 1 of the XRCC2 gene. It is expected to disrupt RNA splicing. Variants that disrupt the donor or acceptor splice site typically lead to a loss of protein function (PMID: 16199547), however the current clinical and genetic evidence is not sufficient to establish whether loss-of-function variants in XRCC2 cause disease. This variant is present in population databases (rs560785131, gnomAD 0.002%). Disruption of this splice site has been observed in individual(s) with ovarian cancer (PMID: 30322717). ClinVar contains an entry for this variant (Variation ID: 421370). Algorithms developed to predict the effect of sequence changes on RNA splicing suggest that this variant may disrupt the consensus splice site. In summary, the available evidence is currently insufficient to determine the role of this variant in disease. Therefore, it has been classified as a Variant of Uncertain Significance.

Ambry Genetics
Classification: Likely pathogenic for Hereditary cancer-predisposing syndrome. Last evaluated: 2024-01-02. Review status: criteria provided, single submitter. Criteria: Ambry Variant Classification Scheme 2023. Collection method: clinical testing. Allele origin: germline.
Comment: The c.39+1G>A intronic variant results from a G to A substitution one nucleotide after coding exon 1 of the XRCC2 gene. This variant was identified in a cohort of 4439 women with ovarian cancer undergoing multigene panel testing at one laboratory (Carter NJ et al. Gynecol Oncol, 2018 12;151:481-488). This nucleotide position is highly conserved in available vertebrate species. In silico splice site analysis predicts that this alteration will weaken the native splice donor site and may result in the creation or strengthening of a novel splice donor site. Alterations that disrupt the canonical splice site are expected to cause aberrant splicing, resulting in an abnormal protein or a transcript that is subject to nonsense-mediated mRNA decay. As such, this alteration is classified as likely pathogenic.

Dr. Peter K. Rogan Lab, Western University
No classification provided (evidence only). Condition: Familial prostate cancer. Review status: no classification provided. Collection method: in vitro. Allele origin: not applicable. Functional consequence: retained intron. Not counted in ClinVar's aggregate classification.

Literature cited by the submitters: PubMed 16199547 (cited by Labcorp Genetics (formerly Invitae), Labcorp); PubMed 30322717 (cited by Labcorp Genetics (formerly Invitae), Labcorp and Ambry Genetics).

NM_005431.2(XRCC2):c.39+1G>A

Gene: XRCC2 (X-ray repair cross complementing 2; minus strand). Cytogenetic location: 7q36.1.
Variant type: single nucleotide variant.
Coding change: c.39+1G>A on transcript NM_005431.2 (MANE Select); the canonical splice donor site of the intron after coding-DNA position 39, G replaced by A.
Molecular consequence: splice donor variant.
Genome position (GRCh38, 1-based): chr7:152,676,040, C>T on the plus strand (G>A on the coding strand, the complement: XRCC2 is on the minus strand). VCF-style: chr7-152676040-C-T. GRCh37 (hg19) VCF-style: chr7-152373125-C-T.
Other names: NC_000007.13:g.152373125C>T.
Identifiers: ClinVar variation 421370 (VCV000421370.8), dbSNP rs560785131, ClinGen allele CA4582442.